The following is an entry in ClinVar:

NM_020987.5(ANK3):c.8001C>T (p.Pro2667=)

Gene: ANK3 (ankyrin 3; minus strand). Cytogenetic location: 10q21.2.
Variant type: single nucleotide variant.
Coding change: c.8001C>T on transcript NM_020987.5 (MANE Select); coding-DNA position 8001, C replaced by T.
Protein change: p.Pro2667=; no amino-acid change (proline 2667 retained).
Molecular consequence: synonymous variant. On other transcripts: intron variant (4).
Genome position (GRCh38, 1-based): chr10:60,072,880, G>A on the plus strand (C>T on the coding strand, the complement: ANK3 is on the minus strand). VCF-style: chr10-60072880-G-A. GRCh37 (hg19) VCF-style: chr10-61832638-G-A.
Other names: c.4388-4871C>T (NM_001204403.2); c.4409-4871C>T (NM_001204404.2); c.4406-4871C>T (NM_001320874.2); c.1808-4871C>T (NM_001149.4).
Identifiers: ClinVar variation 4708575 (VCV004708575.2).
Genomic context (GRCh38, chr10:60,072,880, plus strand): 5'-GGACTTGCTGTCCTCAGTCTGTTGGGAGAGAACCATCTTCTCTGGGCTGCTGGGCAGACT[G>A]GGTGCCTTCTCCTCGGCCTTGGGGAAGCCTTGTCCATCAGGGCCATGCTGTCTTGCCTTA-3'
Protein context (NP_066267.2, residues 2657-2677): QGFPKAEEKA[Pro2667=]SLPSSPEKMV

ClinVar aggregate classification (germline): Likely benign. Review status: criteria provided, multiple submitters, no conflicts (2 of 4 stars). 2 submissions from 2 submitters: Likely benign (2). Last evaluated 2026-08-01.

gnomAD v4.1: 16 of 1,614,042 alleles (0.00099%); highest among the groups gnomAD compares: East Asian, 0.022%; no homozygotes.

Submissions (2):

CeGaT Center for Human Genetics Tuebingen
Classification: Likely benign. Last evaluated: 2026-08-01. Review status: criteria provided, single submitter. Criteria: CeGaT Center For Human Genetics Tuebingen Variant Classification Criteria Version 2. Collection method: clinical testing. Allele origin: germline. Affected: yes. Observed: 1 variant allele.
Comment: ANK3: BP4, BP7

Labcorp Genetics (formerly Invitae), Labcorp
Classification: Likely benign. Last evaluated: 2025-05-18. Review status: criteria provided, single submitter. Criteria: Invitae Variant Classification Sherloc (09022015). Collection method: clinical testing. Allele origin: germline.